The following is an entry in ClinVar:

NM_005529.7(HSPG2):c.12312T>C (p.Asp4104=)

Gene: HSPG2 (heparan sulfate proteoglycan 2; minus strand). Cytogenetic location: 1p36.12.
Variant type: single nucleotide variant.
Coding change: c.12312T>C on transcript NM_005529.7 (MANE Select); coding-DNA position 12312, T replaced by C.
Protein change: p.Asp4104=; no amino-acid change (aspartic acid 4104 retained).
Molecular consequence: synonymous variant.
Genome position (GRCh38, 1-based): chr1:21,828,352, A>G on the plus strand (T>C on the coding strand, the complement: HSPG2 is on the minus strand). VCF-style: chr1-21828352-A-G. GRCh37 (hg19) VCF-style: chr1-22154845-A-G.
Other names: c.12315T>C, p.Asp4105= (NM_001291860.2).
Identifiers: ClinVar variation 295707 (VCV000295707.18), dbSNP rs2228347, ClinGen allele CA669463.

ClinVar aggregate classification (germline): Benign. Review status: criteria provided, multiple submitters, no conflicts (2 of 4 stars). 8 submissions from 6 submitters: Benign (8). Last evaluated 2026-02-04.

Conditions:
Schwartz-Jampel syndrome. Also called: Myotonic myopathy dwarfism chondrodystrophy and ocular and facial abnormalities. Identifiers: Orphanet 800, MedGen C0036391, MONDO:0009717.
Lethal Kniest-like syndrome (DDSH). Also called: Dyssegmental Dysplasia. Identifiers: Orphanet 1865, MedGen C1857100, MONDO:0009140, OMIM 224410.

Allele frequency attached by ClinVar (database versions not stated): TOPMed 0.23416; gnomAD 0.24480 and 0.25240; ESP Exome Variant Server 0.25235; 1000 Genomes Project 30x 0.25406; 1000 Genomes Project 0.25719; gnomAD exomes 0.29114 and 0.31269; ExAC 0.29821.
gnomAD v4.1: 494,791 of 1,613,522 alleles (31%); highest among the groups gnomAD compares: South Asian, 47%; 79,531 homozygotes.

Submissions (8):

Labcorp Genetics (formerly Invitae), Labcorp
Classification: Benign. Last evaluated: 2026-02-04. Review status: criteria provided, single submitter. Criteria: Invitae Variant Classification Sherloc (09022015). Collection method: clinical testing. Allele origin: germline.

Blueprint Genetics
Classification: Benign. Last evaluated: 2024-11-26. Review status: criteria provided, single submitter. Criteria: ACMG Guidelines, 2015. Collection method: clinical testing. Allele origin: germline.

Genome-Nilou Lab
Classification: Benign for Lethal Kniest-like syndrome. Last evaluated: 2021-08-10. Review status: criteria provided, single submitter. Criteria: ACMG Guidelines, 2015. Collection method: clinical testing. Allele origin: germline. Affected: no.

Genome-Nilou Lab
Classification: Benign for Schwartz-Jampel syndrome type 1. Last evaluated: 2021-08-10. Review status: criteria provided, single submitter. Criteria: ACMG Guidelines, 2015. Collection method: clinical testing. Allele origin: germline. Affected: no.

GeneDx
Classification: Benign. Last evaluated: 2018-08-19. Review status: criteria provided, single submitter. Criteria: GeneDx Variant Classification Process June 2021. Collection method: clinical testing. Allele origin: germline. Affected: yes.

Illumina Laboratory Services, Illumina
Classification: Benign for Lethal Kniest-like syndrome. Last evaluated: 2018-01-12. Review status: criteria provided, single submitter. Criteria: ICSL Variant Classification Criteria 13 December 2019. Collection method: clinical testing. Allele origin: germline.
Comment: This variant was observed in the ICSL laboratory as part of a predisposition screen in an ostensibly healthy population. It had not been previously curated by ICSL or reported in the Human Gene Mutation Database (HGMD: prior to June 1st, 2018), and was therefore a candidate for classification through an automated scoring system. Utilizing variant allele frequency, disease prevalence and penetrance estimates, and inheritance mode, an automated score was calculated to assess if this variant is too frequent to cause the disease. Based on the score and internal cut-off values, a variant classified as benign is not then subjected to further curation. The score for this variant resulted in a classification of benign for this disease.

Illumina Laboratory Services, Illumina
Classification: Benign for Schwartz-Jampel syndrome type 1. Last evaluated: 2018-01-12. Review status: criteria provided, single submitter. Criteria: ICSL Variant Classification Criteria 13 December 2019. Collection method: clinical testing. Allele origin: germline.
Comment: the same text as in the submission from Illumina Laboratory Services, Illumina above.

Breakthrough Genomics
Classification: Benign. Review status: criteria provided, single submitter. Criteria: ACMG Guidelines, 2015. Collection method: not provided. Allele origin: germline. Inheritance: Autosomal recessive inheritance. Affected: yes.